The following is an entry in ClinVar:

NM_031844.3(HNRNPU):c.643_644delinsGC (p.Lys215Ala)

Gene: HNRNPU (heterogeneous nuclear ribonucleoprotein U; minus strand). Cytogenetic location: 1q44.
Variant type: Indel.
Coding change: c.643_644delinsGC on transcript NM_031844.3 (MANE Select); coding-DNA positions 643 to 644, AA replaced by GC.
Protein change: p.Lys215Ala; replaces lysine 215 with alanine.
Molecular consequence: missense variant. On other transcripts: intron variant (1).
Genome position (GRCh38, 1-based): chr1:244,863,664-244,863,665, TT replaced by GC on the plus strand (AA replaced by GC on the coding strand, the reverse complement: HNRNPU is on the minus strand). VCF-style: chr1-244863664-TT-GC. GRCh37 (hg19) VCF-style: chr1-245026966-TT-GC.
Other names: c.634+9_634+10delinsGC (NM_004501.3); short protein forms K215A.
Identifiers: ClinVar variation 648779 (VCV000648779.7), dbSNP rs1573337510, ClinGen allele CA915943686.

ClinVar aggregate classification (germline): Uncertain significance (1 of 4 stars; one submission).

Conditions:
Developmental and epileptic encephalopathy, 54. Also called: Epileptic encephalopathy, early infantile, 54; HNRNPU-Related Neurodevelopmental Disorder. Identifiers: MedGen C4479319, MONDO:0033363, OMIM 617391.

Submission:

Labcorp Genetics (formerly Invitae), Labcorp
Classification: Uncertain significance for Developmental and epileptic encephalopathy, 54. Last evaluated: 2024-01-27. Review status: criteria provided, single submitter. Criteria: Invitae Variant Classification Sherloc (09022015). Collection method: clinical testing. Allele origin: germline.
Comment: This sequence change replaces lysine, which is basic and polar, with alanine, which is neutral and non-polar, at codon 215 of the HNRNPU protein (p.Lys215Ala). This variant is present in population databases (no rsID available, gnomAD 0.001%). This variant has not been reported in the literature in individuals affected with HNRNPU-related conditions. ClinVar contains an entry for this variant (Variation ID: 648779). An algorithm developed to predict the effect of missense changes on protein structure and function (PolyPhen-2) suggests that this variant is likely to be tolerated. In summary, the available evidence is currently insufficient to determine the role of this variant in disease. Therefore, it has been classified as a Variant of Uncertain Significance.